The following is an entry in ClinVar:

NM_000548.5(TSC2):c.2721T>A (p.Asp907Glu)

Gene: TSC2 (TSC complex subunit 2; plus strand). Cytogenetic location: 16p13.3.
Variant type: single nucleotide variant.
Coding change: c.2721T>A on transcript NM_000548.5 (MANE Select); coding-DNA position 2721, T replaced by A.
Protein change: p.Asp907Glu; replaces aspartic acid 907 with glutamic acid.
Molecular consequence: missense variant.
Genome position (GRCh38, 1-based): chr16:2,076,149, T>A. VCF-style: chr16-2076149-T-A. GRCh37 (hg19) VCF-style: chr16-2126150-T-A.
Other names: c.2721T>A, p.Asp907Glu (NM_001077183.3, NM_001114382.3, NM_001363528.2 and 3 more transcripts); c.2610T>A, p.Asp870Glu (NM_001318827.2); c.2574T>A, p.Asp858Glu (NM_001318829.2); c.2121T>A, p.Asp707Glu (NM_001318831.2); c.2754T>A, p.Asp918Glu (NM_001318832.2); c.2721T>A (NM_000548.3); short protein forms D707E, D858E, D870E, D907E, D918E.
Identifiers: ClinVar variation 1010039 (VCV001010039.11), dbSNP rs2089328474, ClinGen allele CA394279525.

ClinVar aggregate classification (germline): Uncertain significance. Review status: criteria provided, multiple submitters, no conflicts (2 of 4 stars). 4 submissions from 4 submitters: Uncertain significance (4). Last evaluated 2025-06-03.

Conditions:
Tuberous sclerosis 2 (TSC2). Identifiers: Orphanet 805, MedGen C1860707, MONDO:0013199, OMIM 613254.
Lymphangiomyomatosis (LAM). Also called: Lymphangioleiomyomatosis; Lymphangioleiomyomatosis, somatic. Identifiers: Orphanet 538, MedGen C0751674, MONDO:0011705, OMIM 606690.
Isolated focal cortical dysplasia type II (FCORD2). Also called: Focal cortical dysplasia type II; CORTICAL DYSPLASIA OF TAYLOR. Identifiers: Orphanet 268994, MedGen C1846385, MONDO:0011818, OMIM 607341, HP:0032051.
Hereditary cancer-predisposing syndrome. Also called: Tumor predisposition; Hereditary Cancer Syndrome; Neoplastic Syndromes, Hereditary; Hereditary neoplastic syndrome. Identifiers: Orphanet 140162, MedGen C0027672, MeSH D009386, MONDO:0015356.

Submissions (4):

Labcorp Genetics (formerly Invitae), Labcorp
Classification: Uncertain significance for Tuberous sclerosis 2. Last evaluated: 2025-06-03. Review status: criteria provided, single submitter. Criteria: Invitae Variant Classification Sherloc (09022015). Collection method: clinical testing. Allele origin: germline.
Comment: This sequence change replaces aspartic acid, which is acidic and polar, with glutamic acid, which is acidic and polar, at codon 907 of the TSC2 protein (p.Asp907Glu). This variant is not present in population databases (gnomAD no frequency). This variant has not been reported in the literature in individuals affected with TSC2-related conditions. ClinVar contains an entry for this variant (Variation ID: 1010039). Invitae Evidence Modeling of protein sequence and biophysical properties (such as structural, functional, and spatial information, amino acid conservation, physicochemical variation, residue mobility, and thermodynamic stability) indicates that this missense variant is not expected to disrupt TSC2 protein function with a negative predictive value of 95%. In summary, the available evidence is currently insufficient to determine the role of this variant in disease. Therefore, it has been classified as a Variant of Uncertain Significance.

Ambry Genetics
Classification: Uncertain significance for Hereditary cancer-predisposing syndrome. Last evaluated: 2024-12-29. Review status: criteria provided, single submitter. Criteria: Ambry Variant Classification Scheme 2023. Collection method: clinical testing. Allele origin: germline.
Comment: The p.D907E variant (also known as c.2721T>A), located in coding exon 23 of the TSC2 gene, results from a T to A substitution at nucleotide position 2721. The aspartic acid at codon 907 is replaced by glutamic acid, an amino acid with highly similar properties. This amino acid position is conserved. In addition, this alteration is predicted to be deleterious by in silico analysis. Based on the available evidence, the clinical significance of this variant remains unclear.

Fulgent Genetics
Classification: Uncertain significance for Lymphangiomyomatosis; Isolated focal cortical dysplasia type II; Tuberous sclerosis 2. Last evaluated: 2024-04-05. Review status: criteria provided, single submitter. Criteria: ACMG Guidelines, 2015. Collection method: clinical testing. Allele origin: germline.

GeneDx
Classification: Uncertain significance. Last evaluated: 2022-10-13. Review status: criteria provided, single submitter. Criteria: GeneDx Variant Classification Process June 2021. Collection method: clinical testing. Allele origin: germline. Affected: yes.
Comment: Not observed at significant frequency in large population cohorts (gnomAD); In silico analysis supports that this missense variant does not alter protein structure/function; Has not been previously published as pathogenic or benign to our knowledge